The following is an entry in ClinVar:

ClinVar aggregate classification (germline): Uncertain significance. Review status: criteria provided, multiple submitters, no conflicts (2 of 4 stars). 3 submissions from 3 submitters: Uncertain significance (3). Last evaluated 2025-08-13.

Conditions:
ANLN-related disorder. Also called: ANLN-related condition.

Allele frequency attached by ClinVar (database versions not stated): gnomAD 0.00001; TOPMed 0.00002.

Submissions (3):

Ambry Genetics
Classification: Uncertain significance. Last evaluated: 2025-08-13. Review status: criteria provided, single submitter. Criteria: Ambry Variant Classification Scheme 2023. Collection method: clinical testing. Allele origin: germline.

PreventionGenetics, part of Exact Sciences
Classification: Uncertain significance for ANLN-related condition. Last evaluated: 2025-05-07. Review status: criteria provided, single submitter. Criteria: ACMG Guidelines, 2015. Collection method: clinical testing. Allele origin: germline.
Comment: The ANLN c.868T>C variant is predicted to result in the amino acid substitution p.Ser290Pro. To our knowledge, this variant has not been reported in the literature. This variant is reported in 0.0011% of alleles in individuals of European (Non-Finnish) descent in gnomAD. At this time, the clinical significance of this variant is uncertain due to the absence of conclusive functional and genetic evidence.

Labcorp Genetics (formerly Invitae), Labcorp
Classification: Uncertain significance. Last evaluated: 2022-11-05. Review status: criteria provided, single submitter. Criteria: Invitae Variant Classification Sherloc (09022015). Collection method: clinical testing. Allele origin: germline.
Comment: In summary, the available evidence is currently insufficient to determine the role of this variant in disease. Therefore, it has been classified as a Variant of Uncertain Significance. Algorithms developed to predict the effect of missense changes on protein structure and function output the following: SIFT: "Tolerated"; PolyPhen-2: "Benign"; Align-GVGD: "Class C0". The proline amino acid residue is found in multiple mammalian species, which suggests that this missense change does not adversely affect protein function. This variant has not been reported in the literature in individuals affected with ANLN-related conditions. This variant is present in population databases (no rsID available, gnomAD 0.001%). This sequence change replaces serine, which is neutral and polar, with proline, which is neutral and non-polar, at codon 290 of the ANLN protein (p.Ser290Pro).

NM_018685.5(ANLN):c.868T>C (p.Ser290Pro)

Gene: ANLN (anillin, actin binding protein; plus strand). Cytogenetic location: 7p14.2.
Variant type: single nucleotide variant.
Coding change: c.868T>C on transcript NM_018685.5 (MANE Select); coding-DNA position 868, T replaced by C.
Protein change: p.Ser290Pro; replaces serine 290 with proline.
Molecular consequence: missense variant.
Genome position (GRCh38, 1-based): chr7:36,406,561, T>C. VCF-style: chr7-36406561-T-C. GRCh37 (hg19) VCF-style: chr7-36446170-T-C.
Other names: c.868T>C (NM_018685.4, NM_018685.2); c.868T>C, p.Ser290Pro (NM_001284301.3, NM_001284302.3); short protein forms S290P.
Identifiers: ClinVar variation 2418578 (VCV002418578.8), dbSNP rs1012009459, ClinGen allele CA157082699.